The following continues an entry in ClinVar:

NM_003000.3(SDHB):c.688C>T (p.Arg230Cys)

Gene: SDHB. ClinVar aggregate classification (germline): Pathogenic/Likely pathogenic. Pathogenic (9); Likely pathogenic (1).

Submissions 9 to 11 of 11:

GeneDx
Classification: Pathogenic. Last evaluated: 2017-10-05. Review status: criteria provided, single submitter. Criteria: GeneDx Variant Classification (06012015). Collection method: clinical testing. Allele origin: germline. Affected: yes.
Comment: This pathogenic variant is denoted SDHB c.688C>T at the cDNA level, p.Arg230Cys (R230C) at theprotein level, and results in the change of an Arginine to a Cysteine (CGC>TGC). This variant was observed in severalindividuals with pheochromocytoma or paraganglioma (Gimenez-Roqueplo 2003, Lefebvre 2012, Hermsen 2010,Janssen, Jochmanova 2017). In addition, functional assays have demonstrated this variant to result in an unstableprotein, and in the tumor of an individual harboring this variant, complete and selective loss of mitochondrial complex IIenzyme activity was observed (Yang 2012, Gimenez-Roqueplo 2003). SDHB Arg230Cys was not observed at asignificant allele frequency in large population cohorts (Lek 2016). Since Arginine and Cysteine differ in polarity,charge, size or other properties, this is considered a non-conservative amino acid substitution. SDHB Arg230Cysoccurs at a position that is conserved across species and is not located in a known functional domain. In silicoanalyses predict that this pathogenic variant is probably damaging to protein structure and function. Based on currentlyavailable evidence, we consider this variant to be pathogenic

Center for Human Genetics, Inc
Classification: Pathogenic for Pheochromocytoma/paraganglioma syndrome 4. Last evaluated: 2016-11-01. Review status: criteria provided, single submitter. Criteria: ACMG Guidelines, 2015. Collection method: clinical testing. Allele origin: germline. Affected: yes.

Section on Medical Neuroendocrinolgy, National Institutes of Health
Classification: Pathogenic for Hereditary pheochromocytoma and paraganglioma. Review status: no assertion criteria provided. Collection method: research. Allele origin: germline. Affected: yes. Not counted in ClinVar's aggregate classification.

Literature cited by the submitters: PubMed 14500403 (cited by 5 submitters); PubMed 17652212 (cited by 4 submitters); PubMed 19454582 (cited by 4 submitters); PubMed 20208144 (cited by 3 submitters); PubMed 22517554 (cited by Labcorp Genetics (formerly Invitae), Labcorp and All of Us Research Program, National Institutes of Health); PubMed 25873086 (cited by Labcorp Genetics (formerly Invitae), Labcorp and All of Us Research Program, National Institutes of Health); PubMed 22835832 (cited by 4 submitters); PubMed 18382370 (cited by Labcorp Genetics (formerly Invitae), Labcorp); PubMed 19351833 (cited by 3 submitters); PubMed 23934599 (cited by Labcorp Genetics (formerly Invitae), Labcorp); PubMed 16103922 (cited by All of Us Research Program, National Institutes of Health and Ambry Genetics); PubMed 29386252 (cited by All of Us Research Program, National Institutes of Health and Ambry Genetics); PubMed 30536464 (cited by All of Us Research Program, National Institutes of Health); PubMed 33420946 (cited by All of Us Research Program, National Institutes of Health); PubMed 34906457 (cited by All of Us Research Program, National Institutes of Health and Myriad Genetics, Inc.); PubMed 35673401 (cited by All of Us Research Program, National Institutes of Health); PubMed 35904169 (cited by All of Us Research Program, National Institutes of Health); PubMed 33362715 (cited by Myriad Genetics, Inc.); PubMed 28374168 (cited by Myriad Genetics, Inc.); PubMed 19393419 (cited by Ambry Genetics).